The following is an entry in ClinVar:

ClinVar aggregate classification (germline): Pathogenic. Review status: reviewed by expert panel (3 of 4 stars). 5 submissions from 5 submitters: Pathogenic (1). 4 of the submissions do not count toward it. Last evaluated 2016-09-08.

Conditions:
Breast-ovarian cancer, familial, susceptibility to, 1 (BROVCA1). Also called: BRCA1 Hereditary Breast and Ovarian Cancer; OVARIAN CANCER, SUSCEPTIBILITY TO. Identifiers: Orphanet 145, MedGen C2676676, MONDO:0011450, OMIM 604370. Disease mechanism: loss of function.

Submissions (5):

Evidence-based Network for the Interpretation of Germline Mutant Alleles (ENIGMA)
Classification: Pathogenic for Breast-ovarian cancer, familial, susceptibility to, 1. Last evaluated: 2016-09-08. Review status: reviewed by expert panel. Criteria: ENIGMA BRCA1/2 Classification Criteria (2015). Collection method: curation. Allele origin: germline.
Comment: Variant allele predicted to encode a truncated non-functional protein.

Dasa
Classification: Pathogenic. Last evaluated: 2025-11-05. Review status: criteria provided, single submitter. Criteria: DASA Assertion Criteria. Collection method: clinical testing. Allele origin: germline. Not counted in ClinVar's aggregate classification.
Comment: NM_007294.4(BRCA1):c.5304del (p.Tyr1769Metfs*24) is a frameshift variant in BRCA1 predicted to alter the reading frame and introduce a premature termination codon and is predicted to result in an absent or altered protein product. Loss of function is an established disease mechanism for BRCA1 (PMID: 32375709; PMID: 21989022; PMID: 11802209). This variant has been reported in individuals with BRCA1-related disorders (PMID: 29470806). Also, this variant is absent from population databases. Based on the currently available evidence, this variant is classified as pathogenic.

Baylor Genetics
Classification: Pathogenic for Breast-ovarian cancer, familial, susceptibility to, 1. Last evaluated: 2024-03-09. Review status: criteria provided, single submitter. Criteria: ACMG Guidelines, 2015. Collection method: clinical testing. Allele origin: unknown. Not counted in ClinVar's aggregate classification.

Molecular Endocrinology Laboratory, Christian Medical College
Classification: Pathogenic for Breast-ovarian cancer, familial, susceptibility to, 1. Review status: criteria provided, single submitter. Criteria: ACMG Guidelines, 2015. Collection method: clinical testing. Allele origin: germline. Affected: yes. Not counted in ClinVar's aggregate classification.

Breast Cancer Information Core (BIC) (BRCA1)
Classification: Pathogenic for Breast-ovarian cancer, familial 1. Last evaluated: 2003-12-23. Review status: no assertion criteria provided. Collection method: clinical testing. Allele origin: germline. Affected: yes. Observed: 1 variant allele. Not counted in ClinVar's aggregate classification.

Literature cited by the submitters: PubMed 29470806 (cited by Dasa and Molecular Endocrinology Laboratory, Christian Medical College); PubMed 32375709 (cited by Dasa); PubMed 21989022 (cited by Dasa); PubMed 11802209 (cited by Dasa).

NM_007294.4(BRCA1):c.5304del (p.Tyr1769fs)

Gene: BRCA1 (BRCA1 DNA repair associated; minus strand). Cytogenetic location: 17q21.31.
Variant type: Deletion.
Coding change: c.5304del on transcript NM_007294.4 (MANE Select); coding-DNA position 5304, one base deleted (C; older notation c.5304delC).
Protein change: p.Tyr1769fs; shifts the reading frame from tyrosine 1769.
Molecular consequence: frameshift variant. On other transcripts: non-coding transcript variant (1).
Genome position (GRCh38, 1-based): chr17:43,051,091, G deleted on the plus strand (C on the coding strand, the reverse complement: BRCA1 is on the minus strand). VCF-style (leftmost placement, unchanged base first): chr17-43051090-AG-A. GRCh37 (hg19) VCF-style: chr17-41203107-AG-A.
Other names: 5423delC; c.5091delC, p.Tyr1698Metfs (NM_001407571.1, NM_001407894.1, NM_001407895.1 and 12 more transcripts); c.5370delC, p.Tyr1791Metfs (NM_001407581.1, NM_001407582.1); c.5367delC, p.Tyr1790Metfs (NM_001407583.1, NM_001407585.1, NM_001407587.1); c.5364delC, p.Tyr1789Metfs (NM_001407590.1, NM_001407591.1); c.5304delC, p.Tyr1769Metfs (NM_001407593.1, NM_001407594.1, NM_001407596.1 and 6 more transcripts); c.5301delC, p.Tyr1768Metfs (NM_001407610.1, NM_001407611.1, NM_001407612.1 and 17 more transcripts); c.5298delC, p.Tyr1767Metfs (NM_001407627.1, NM_001407628.1, NM_001407629.1 and 14 more transcripts); and 76 more; short protein forms Y665fs, Y1769fs, Y1722fs, Y1790fs.
Identifiers: ClinVar variation 125820 (VCV000125820.8), dbSNP rs80357959, ClinGen allele CA003457.
Genomic context (GRCh38, chr17:43,051,090, plus strand): 5'-TGCTGGAACTCTGGGGTTCTCCCAGGCTCTTACCTGTGGGCATGTTGGTGAAGGGCCCAT[AG>A]CAACAGATTTCTAGCCCCCTGAAGATCTGGAAGAAGAGAGGAAGAGAGAGGGACAGGGGA-3'